The following is an entry in ClinVar:

NM_030904.2(OR2T1):c.-18G>A

Gene: OR2T1 (olfactory receptor family 2 subfamily T member 1; plus strand). Cytogenetic location: 1q44.
Variant type: single nucleotide variant.
Coding change: c.-18G>A on transcript NM_030904.2 (MANE Select); 18 bases upstream of the start codon, G replaced by A.
Molecular consequence: 5 prime UTR variant.
Genome position (GRCh38, 1-based): chr1:248,406,130, G>A. VCF-style: chr1-248406130-G-A. GRCh37 (hg19) VCF-style: chr1-248569431-G-A.
Other names: short protein forms G46S.
Identifiers: ClinVar variation 161776 (VCV000161776.2), dbSNP rs193920936, ClinGen allele CA174763.

ClinVar aggregate classification (germline): Uncertain significance (0 of 4 stars; one submission).

Conditions:
Prostate cancer. Also called: Malignant tumor of prostate. Identifiers: Orphanet 1331, MedGen C0376358, MONDO:0008315, HP:0012125.

Allele frequency attached by ClinVar (database versions not stated): ExAC 0.00001; gnomAD exomes 0.00001 and 0.00002; TOPMed 0.00001.

Submission:

Science for Life laboratory,  Karolinska Institutet
Classification: Uncertain significance for Malignant tumor of prostate. Review status: no assertion criteria provided. Collection method: not provided. Allele origin: somatic.
Comment: TumorID:SWE-19
ClinVar note: Converted during submission from Unknown to Uncertain significance.